The following is an entry in ClinVar:

NM_001355436.2(SPTB):c.207T>C (p.Ala69=)

Gene: SPTB (spectrin beta, erythrocytic; minus strand). Cytogenetic location: 14q23.3.
Variant type: single nucleotide variant.
Coding change: c.207T>C on transcript NM_001355436.2 (MANE Select); coding-DNA position 207, T replaced by C.
Protein change: p.Ala69=; no amino-acid change (alanine 69 retained).
Molecular consequence: synonymous variant.
Genome position (GRCh38, 1-based): chr14:64,805,032, A>G on the plus strand (T>C on the coding strand, the complement: SPTB is on the minus strand). VCF-style: chr14-64805032-A-G. GRCh37 (hg19) VCF-style: chr14-65271750-A-G.
Other names: c.207T>C, p.Ala69= (NM_001024858.4, NM_001355437.2).
Identifiers: ClinVar variation 3347010 (VCV003347010.1).

ClinVar aggregate classification (germline): Likely benign (0 of 4 stars; one submission).

Conditions:
SPTB-related disorder. Also called: SPTB-related condition; SPTB-Related Disorders.

Submission:

PreventionGenetics, part of Exact Sciences
Classification: Likely benign for SPTB-related condition. Last evaluated: 2024-09-17. Review status: no assertion criteria provided. Collection method: clinical testing. Allele origin: germline.
Comment: This variant is classified as likely benign based on ACMG/AMP sequence variant interpretation guidelines (Richards et al. 2015 PMID: 25741868, with internal and published modifications).